The following is an entry in ClinVar:

ClinVar aggregate classification (germline): Pathogenic. Review status: reviewed by expert panel (3 of 4 stars). 5 submissions from 5 submitters: Pathogenic (1). 4 of the submissions do not count toward it. Last evaluated 2016-10-18.

Conditions:
Hereditary cancer-predisposing syndrome. Also called: Hereditary Cancer Syndrome; Hereditary neoplastic syndrome; Neoplastic Syndromes, Hereditary; Tumor predisposition. Identifiers: Orphanet 140162, MedGen C0027672, MeSH D009386, MONDO:0015356.
Breast-ovarian cancer, familial, susceptibility to, 1 (BROVCA1). Also called: BRCA1 Hereditary Breast and Ovarian Cancer; OVARIAN CANCER, SUSCEPTIBILITY TO. Identifiers: Orphanet 145, MedGen C2676676, MONDO:0011450, OMIM 604370. Disease mechanism: loss of function.
Hereditary breast ovarian cancer syndrome. Also called: BRCA1- and BRCA2-Associated Hereditary Breast and Ovarian Cancer; Hereditary breast and ovarian cancer syndrome; Hereditary breast and ovarian cancer syndrome (HBOC); Breast and ovarian cancer; Hereditary breast and/or ovarian cancer syndrome; Hereditary breast and ovarian cancer. Identifiers: Orphanet 145, MedGen C0677776, MeSH D061325, MONDO:0003582. Disease mechanism: loss of function.

Submissions (5):

Evidence-based Network for the Interpretation of Germline Mutant Alleles (ENIGMA)
Classification: Pathogenic for Breast-ovarian cancer, familial, susceptibility to, 1. Last evaluated: 2016-10-18. Review status: reviewed by expert panel. Criteria: ENIGMA BRCA1/2 Classification Criteria (2015). Collection method: curation. Allele origin: germline.
Comment: Variant allele predicted to encode a truncated non-functional protein.

Labcorp Genetics (formerly Invitae), Labcorp
Classification: Pathogenic for Hereditary breast ovarian cancer syndrome. Last evaluated: 2024-04-10. Review status: criteria provided, single submitter. Criteria: Invitae Variant Classification Sherloc (09022015). Collection method: clinical testing. Allele origin: germline. Not counted in ClinVar's aggregate classification.
Comment: This sequence change creates a premature translational stop signal (p.Ser308Argfs*6) in the BRCA1 gene. It is expected to result in an absent or disrupted protein product. Loss-of-function variants in BRCA1 are known to be pathogenic (PMID: 20104584). This variant is not present in population databases (gnomAD no frequency). This premature translational stop signal has been observed in individual(s) with hereditary breast and ovarian cancer syndrome (PMID: 9150149). This variant is also known as c.1043delC (ter313). ClinVar contains an entry for this variant (Variation ID: 55755). For these reasons, this variant has been classified as Pathogenic.

Ambry Genetics
Classification: Pathogenic for Hereditary cancer-predisposing syndrome. Last evaluated: 2022-12-06. Review status: criteria provided, single submitter. Criteria: Ambry Variant Classification Scheme 2023. Collection method: clinical testing. Allele origin: germline. Not counted in ClinVar's aggregate classification.
Comment: The c.924delC pathogenic mutation, located in coding exon 9 of the BRCA1 gene, results from a deletion of one nucleotide at nucleotide position 924, causing a translational frameshift with a predicted alternate stop codon (p.S308Rfs*6). This alteration was identified in an individual with a family history of breast and/or ovarian cancer (Stoppa-Lyonnet D et al. Am J Hum Genet, 1997 May;60:1021-30). Of note, this alteration is also known as 1043delC in published literature. This variant is considered to be rare based on population cohorts in the Genome Aggregation Database (gnomAD). In addition to the clinical data presented in the literature, this alteration is expected to result in loss of function by premature protein truncation or nonsense-mediated mRNA decay. As such, this alteration is interpreted as a disease-causing mutation.

Consortium of Investigators of Modifiers of BRCA1/2 (CIMBA), c/o University of Cambridge
Classification: Pathogenic for Breast-ovarian cancer, familial, susceptibility to, 1. Last evaluated: 2015-10-02. Review status: criteria provided, single submitter. Criteria: CIMBA Mutation Classification guidelines May 2016. Collection method: clinical testing. Allele origin: germline. Not counted in ClinVar's aggregate classification.

Research Molecular Genetics Laboratory, Women's College Hospital, University of Toronto
Classification: Pathogenic for Hereditary breast ovarian cancer syndrome. Last evaluated: 2014-01-31. Review status: no assertion criteria provided. Collection method: research. Allele origin: germline. Affected: yes. Study: The Canadian Open Genetics Repository (COGR). Not counted in ClinVar's aggregate classification.

Literature cited by the submitters: PubMed 20104584 (cited by Labcorp Genetics (formerly Invitae), Labcorp); PubMed 9150149 (cited by Labcorp Genetics (formerly Invitae), Labcorp and Ambry Genetics).

NM_007294.4(BRCA1):c.924del (p.Ser308fs)

Gene: BRCA1 (BRCA1 DNA repair associated; minus strand). Cytogenetic location: 17q21.31.
Variant type: Deletion.
Coding change: c.924del on transcript NM_007294.4 (MANE Select); coding-DNA position 924, one base deleted (C; older notation c.924delC).
Protein change: p.Ser308fs; shifts the reading frame from serine 308.
Molecular consequence: frameshift variant. On other transcripts: intron variant (137).
Genome position (GRCh38, 1-based): chr17:43,094,607, G deleted on the plus strand (C on the coding strand, the reverse complement: BRCA1 is on the minus strand). VCF-style (leftmost placement, unchanged base first): chr17-43094606-TG-T. GRCh37 (hg19) VCF-style: chr17-41246623-TG-T.
Other names: 1043delC-ter313; c.783del, p.Ser261fs (NM_001407852.1, NM_001407942.1, NM_001407944.1 and 29 more transcripts); c.711del, p.Ser237fs (NM_001407853.1, NM_001407894.1, NM_001407895.1 and 9 more transcripts); c.924del, p.Ser308fs (NM_001407854.1, NM_001407858.1, NM_001407859.1 and 30 more transcripts); c.921del, p.Ser307fs (NM_001407860.1, NM_001407861.1, NM_001407587.1 and 22 more transcripts); c.723del, p.Ser241fs (NM_001407862.1); c.801del, p.Ser267fs (NM_001407863.1, NM_001407919.1, NM_001407937.1 and 19 more transcripts); c.720del, p.Ser240fs (NM_001407874.1, NM_001407875.1); and 41 more; short protein forms S308fs, S261fs, S197fs, S220fs, S237fs, S281fs, S307fs, S12fs.
Identifiers: ClinVar variation 55755 (VCV000055755.12), dbSNP rs397509336, ClinGen allele CA003967.